The following is an entry in ClinVar:

ClinVar aggregate classification (germline): Uncertain significance (1 of 4 stars; one submission).

Allele frequency attached by ClinVar (database versions not stated): gnomAD exomes below 0.00001.
gnomAD v4.1: 1 of 1,614,198 alleles (0.000062%); highest among the groups gnomAD compares: South Asian, 0.0011%; no homozygotes.

Submission:

Labcorp Genetics (formerly Invitae), Labcorp
Classification: Uncertain significance. Last evaluated: 2023-05-08. Review status: criteria provided, single submitter. Criteria: Invitae Variant Classification Sherloc (09022015). Collection method: clinical testing. Allele origin: germline.
Comment: This sequence change affects codon 242 of the ASRGL1 mRNA. It is a 'silent' change, meaning that it does not change the encoded amino acid sequence of the ASRGL1 protein. This variant is not present in population databases (gnomAD no frequency). This variant has not been reported in the literature in individuals affected with ASRGL1-related conditions. Algorithms developed to predict the effect of sequence changes on RNA splicing suggest that this variant may disrupt the consensus splice site. In summary, the available evidence is currently insufficient to determine the role of this variant in disease. Therefore, it has been classified as a Variant of Uncertain Significance.

NM_001083926.2(ASRGL1):c.726G>A (p.Lys242=)

Gene: ASRGL1 (asparaginase and isoaspartyl peptidase 1; plus strand). Cytogenetic location: 11q12.3.
Variant type: single nucleotide variant.
Coding change: c.726G>A on transcript NM_001083926.2 (MANE Select); coding-DNA position 726, G replaced by A.
Protein change: p.Lys242=; no amino-acid change (lysine 242 retained).
Molecular consequence: synonymous variant.
Genome position (GRCh38, 1-based): chr11:62,392,083, G>A. VCF-style: chr11-62392083-G-A. GRCh37 (hg19) VCF-style: chr11-62159555-G-A.
Other names: c.726G>A, p.Lys242= (NM_025080.4).
Identifiers: ClinVar variation 2820709 (VCV002820709.3), dbSNP rs2495340561, ClinGen allele CA474850456.
Genomic context (GRCh38, chr11:62,392,083, plus strand): 5'-CCCATGAGATTCCTTTCAGTAATGTGTGTTGTTTCTCAACCCTTCCTTGTTTTCAGGAAA[G>A]ACGGTAGAAGAGGCTGCGGACCTATCGTTGGGTTATATGAAGTCAAGGGTTAAAGGTTTA-3'
Protein context (NP_001077395.1, residues 232-252): RLTLFHIEQG[Lys242=]TVEEAADLSL